The following is an entry in ClinVar:

NM_001252024.2(TRPM1):c.657T>A (p.Ser219Arg)

Gene: TRPM1 (transient receptor potential cation channel subfamily M member 1; minus strand). Cytogenetic location: 15q13.3.
Variant type: single nucleotide variant.
Coding change: c.657T>A on transcript NM_001252024.2 (MANE Select); coding-DNA position 657, T replaced by A.
Protein change: p.Ser219Arg; replaces serine 219 with arginine.
Molecular consequence: missense variant.
Genome position (GRCh38, 1-based): chr15:31,066,209, A>T on the plus strand (T>A on the coding strand, the complement: TRPM1 is on the minus strand). VCF-style: chr15-31066209-A-T. GRCh37 (hg19) VCF-style: chr15-31358412-A-T.
Other names: c.708T>A, p.Ser236Arg (NM_001252020.2); c.591T>A, p.Ser197Arg (NM_002420.6); short protein forms S219R, S197R, S236R.
Identifiers: ClinVar variation 1517529 (VCV001517529.6), dbSNP rs2140961208, ClinGen allele CA391532228.

ClinVar aggregate classification (germline): Uncertain significance (1 of 4 stars; one submission).

Allele frequency attached by ClinVar (database versions not stated): gnomAD exomes below 0.00001.
gnomAD v4.1: 2 of 1,614,184 alleles (0.00012%); highest among the groups gnomAD compares: Non-Finnish European, 0.00017%; no homozygotes.

Submission:

Labcorp Genetics (formerly Invitae), Labcorp
Classification: Uncertain significance. Last evaluated: 2021-11-15. Review status: criteria provided, single submitter. Criteria: Invitae Variant Classification Sherloc (09022015). Collection method: clinical testing. Allele origin: germline.
Comment: This sequence change replaces serine, which is neutral and polar, with arginine, which is basic and polar, at codon 197 of the TRPM1 protein (p.Ser197Arg). This variant is not present in population databases (gnomAD no frequency). This variant has not been reported in the literature in individuals affected with TRPM1-related conditions. Algorithms developed to predict the effect of missense changes on protein structure and function (SIFT, PolyPhen-2, Align-GVGD) all suggest that this variant is likely to be disruptive. In summary, the available evidence is currently insufficient to determine the role of this variant in disease. Therefore, it has been classified as a Variant of Uncertain Significance.